The following is an entry in ClinVar:

ClinVar aggregate classification (germline): Likely benign (1 of 4 stars; one submission).

Conditions:
LYST-related disorder. Also called: LYST-related condition.

Submission:

PreventionGenetics, part of Exact Sciences
Classification: Likely benign for LYST-related condition. Last evaluated: 2024-10-11. Review status: criteria provided, single submitter. Criteria: ACMG Guidelines, 2015. Collection method: clinical testing. Allele origin: germline.
Comment: This variant is classified as likely benign based on ACMG/AMP sequence variant interpretation guidelines (Richards et al. 2015 PMID: 25741868, with internal and published modifications).

NM_000081.4(LYST):c.7060-3T>C

Gene: LYST (lysosomal trafficking regulator; minus strand). Cytogenetic location: 1q42.3.
Variant type: single nucleotide variant.
Coding change: c.7060-3T>C on transcript NM_000081.4 (MANE Select); 3 bases into the intron before coding-DNA position 7060, T replaced by C.
Molecular consequence: intron variant.
Genome position (GRCh38, 1-based): chr1:235,755,650, A>G on the plus strand (T>C on the coding strand, the complement: LYST is on the minus strand). VCF-style: chr1-235755650-A-G. GRCh37 (hg19) VCF-style: chr1-235918950-A-G.
Other names: c.7060-3T>C (NM_001301365.1).
Identifiers: ClinVar variation 4983533 (VCV004983533.1).